The following is an entry in ClinVar:

NM_001003841.3(SLC6A19):c.-8C>T

Gene: SLC6A19 (solute carrier family 6 member 19; plus strand). Cytogenetic location: 5p15.33.
Variant type: single nucleotide variant.
Coding change: c.-8C>T on transcript NM_001003841.3 (MANE Select); 8 bases upstream of the start codon, C replaced by T.
Molecular consequence: 5 prime UTR variant.
Genome position (GRCh38, 1-based): chr5:1,201,643, C>T. VCF-style: chr5-1201643-C-T. GRCh37 (hg19) VCF-style: chr5-1201758-C-T.
Other names: c.-8C>T (NM_001003841.2).
Identifiers: ClinVar variation 1279037 (VCV001279037.5), dbSNP rs67330201, ClinGen allele CA3182525.
Genomic context (GRCh38, chr5:1,201,643, plus strand): 5'-CGGCCCACGGCCACTCGCCCTCCAGCTTCTGCCCTGCCTGCTGTGTGCGGAGCCGTCCAG[C>T]GACCACCATGGTGAGGCTCGTGCTGCCCAACCCCGGCCTAGACGCCCGGATCCCGTCCCT-3'

ClinVar aggregate classification (germline): Benign. Review status: criteria provided, multiple submitters, no conflicts (2 of 4 stars). 4 submissions from 4 submitters: Benign (3). 1 of the submissions does not count toward it. Last evaluated 2023-04-03.

Conditions:
SLC6A19-related disorder. Also called: SLC6A19-related condition.

Allele frequency attached by ClinVar (database versions not stated): gnomAD exomes 0.00555 and 0.01440; 1000 Genomes Project 0.06390; 1000 Genomes Project 30x 0.06933; gnomAD 0.06178 and 0.05769; TOPMed 0.06505; ExAC 0.02225; ESP Exome Variant Server 0.06567.

Submissions (4):

Mayo Clinic Laboratories, Mayo Clinic
Classification: Benign. Last evaluated: 2023-04-03. Review status: criteria provided, single submitter. Criteria: ACMG Guidelines, 2015. Collection method: clinical testing. Allele origin: germline. Observed: 19 variant alleles.

GeneDx
Classification: Benign. Last evaluated: 2021-05-23. Review status: criteria provided, single submitter. Criteria: GeneDx Variant Classification Process June 2021. Collection method: clinical testing. Allele origin: germline. Affected: yes.

Breakthrough Genomics
Classification: Benign. Review status: criteria provided, single submitter. Criteria: ACMG Guidelines, 2015. Collection method: not provided. Allele origin: germline. Inheritance: Autosomal recessive inheritance. Affected: yes.

PreventionGenetics, part of Exact Sciences
Classification: Benign for SLC6A19-related condition. Last evaluated: 2020-01-20. Review status: no assertion criteria provided. Collection method: clinical testing. Allele origin: germline. Not counted in ClinVar's aggregate classification.
Comment: This variant is classified as benign based on ACMG/AMP sequence variant interpretation guidelines (Richards et al. 2015 PMID: 25741868, with internal and published modifications).